The following is an entry in ClinVar:

NM_182943.3(PLOD2):c.1500+16A>G

Gene: PLOD2 (procollagen-lysine,2-oxoglutarate 5-dioxygenase 2; minus strand). Cytogenetic location: 3q24.
Variant type: single nucleotide variant.
Coding change: c.1500+16A>G on transcript NM_182943.3 (MANE Select); 16 bases into the intron after coding-DNA position 1500, A replaced by G.
Molecular consequence: intron variant.
Genome position (GRCh38, 1-based): chr3:146,079,100, T>C on the plus strand (A>G on the coding strand, the complement: PLOD2 is on the minus strand). VCF-style: chr3-146079100-T-C. GRCh37 (hg19) VCF-style: chr3-145796887-T-C.
Other names: c.1500+16A>G (NM_000935.3).
Identifiers: ClinVar variation 3608754 (VCV003608754.4).

ClinVar aggregate classification (germline): Likely benign. Review status: criteria provided, multiple submitters, no conflicts (2 of 4 stars). 2 submissions from 2 submitters: Likely benign (2). Last evaluated 2026-01-27.

gnomAD v4.1: 90 of 1,611,010 alleles (0.0056%); highest among the groups gnomAD compares: Non-Finnish European, 0.00085%; no homozygotes.

Submissions (2):

Labcorp Genetics (formerly Invitae), Labcorp
Classification: Likely benign. Last evaluated: 2026-01-27. Review status: criteria provided, single submitter. Criteria: Invitae Variant Classification Sherloc (09022015). Collection method: clinical testing. Allele origin: germline.

Women's Health and Genetics/Laboratory Corporation of America, LabCorp
Classification: Likely benign. Last evaluated: 2025-04-23. Review status: criteria provided, single submitter. Criteria: LabCorp Variant Classification Summary - May 2015. Collection method: clinical testing. Allele origin: germline.
Comment: Variant summary: PLOD2 c.1500+16A>G alters a non-conserved nucleotide located at a position not widely known to affect splicing. Consensus agreement among computation tools predict no significant impact on normal splicing. However, these predictions have yet to be confirmed by functional studies. The variant allele was found at a frequency of 8.8e-05 in 251136 control chromosomes. This frequency is not significantly higher than estimated for a pathogenic variant in PLOD2 causing Osteogenesis Imperfecta (8.8e-05 vs 0.0011), allowing no conclusion about variant significance. To our knowledge, no occurrence of c.1500+16A>G in individuals affected with Osteogenesis Imperfecta and no experimental evidence demonstrating its impact on protein function have been reported. ClinVar contains an entry for this variant (Variation ID: 3608754). Based on the evidence outlined above, the variant was classified as likely benign.